The following is an entry in ClinVar:

ClinVar aggregate classification (germline): Uncertain significance. Review status: reviewed by expert panel (3 of 4 stars). 2 submissions from 2 submitters: Uncertain significance (1). 1 of the submissions does not count toward it. Last evaluated 2024-07-03.

Conditions:
Hereditary antithrombin deficiency (AT3D). Also called: Reduced antithrombin III activity; Antithrombin III deficiency; Thrombophilia due to antithrombin III deficiency; Antithrombin deficiency. Identifiers: Orphanet 82, MedGen C0272375, MONDO:0013144, OMIM 613118, HP:0001976.

Allele frequency attached by ClinVar (database versions not stated): gnomAD 0.00001; gnomAD exomes 0.00002 and 0.00004; TOPMed 0.00002; ExAC 0.00003.
gnomAD v4.1: 12 of 1,614,088 alleles (0.00074%); highest among the groups gnomAD compares: Admixed American, 0.013%; no homozygotes.

Submissions (2):

Clingen Thrombosis Variant Curation Expert Panel, ClinGen
Classification: Uncertain significance for Hereditary antithrombin deficiency. Last evaluated: 2024-07-03. Review status: reviewed by expert panel. Criteria: ClinGen ACMG Specifications SERPINC1 V1.0.0. Collection method: curation. Allele origin: germline. Inheritance: Autosomal dominant inheritance.
Comment: The c.233G>A (NM_000488.3) variant in SERPINC1 is a missense variant predicted to cause substitution of arginine by glutamine at amino acid 78 (p.Arg78Gln). The variant is reported at an allele frequency of 0.00003889 With the highest MAF of 0.0002540 (9/35440) in the South Asian population in gnomAD v2.1.1 meeting BS1 (>0.0002). In summary, based on the evidence available at this time, the clinical significance of this variant is uncertain. ACMG/AMP criteria applied, as specified by the Thrombosis Variant Curation Expert Panel for AT Deficiency for SERPINC1: BS1.

Illumina Laboratory Services, Illumina
Classification: Uncertain significance for Hereditary antithrombin deficiency. Last evaluated: 2017-04-28. Review status: criteria provided, single submitter. Criteria: ICSL Variant Classification Criteria 13 December 2019. Collection method: clinical testing. Allele origin: germline. Not counted in ClinVar's aggregate classification.

NM_000488.4(SERPINC1):c.233G>A (p.Arg78Gln)

Gene: SERPINC1 (serpin family C member 1; minus strand). Cytogenetic location: 1q25.1.
Variant type: single nucleotide variant.
Coding change: c.233G>A on transcript NM_000488.4 (MANE Select); coding-DNA position 233, G replaced by A.
Protein change: p.Arg78Gln; replaces arginine 78 with glutamine.
Molecular consequence: missense variant.
Genome position (GRCh38, 1-based): chr1:173,914,728, C>T on the plus strand (G>A on the coding strand, the complement: SERPINC1 is on the minus strand). VCF-style: chr1-173914728-C-T. GRCh37 (hg19) VCF-style: chr1-173883866-C-T.
Other names: NM_000488.4(SERPINC1):c.233G>A; p.Arg78Gln; c.89G>A, p.Arg30Gln (NM_001365052.2); c.233G>A, p.Arg78Gln (NM_001386302.1, NM_001386304.1, NM_001386305.1 and 1 more transcripts); c.314G>A, p.Arg105Gln (NM_001386303.1); short protein forms R78Q, R30Q, R105Q.
Identifiers: ClinVar variation 876602 (VCV000876602.5), dbSNP rs774294043, ClinGen allele CA1251448.